The following is an entry in ClinVar:

NM_001278716.2(FBXL4):c.1739T>G (p.Leu580Arg)

Gene: FBXL4 (F-box and leucine rich repeat protein 4; minus strand). Cytogenetic location: 6q16.1.
Variant type: single nucleotide variant.
Coding change: c.1739T>G on transcript NM_001278716.2 (MANE Select); coding-DNA position 1739, T replaced by G.
Protein change: p.Leu580Arg; replaces leucine 580 with arginine.
Molecular consequence: missense variant. On other transcripts: non-coding transcript variant (1).
Genome position (GRCh38, 1-based): chr6:98,874,405, A>C on the plus strand (T>G on the coding strand, the complement: FBXL4 is on the minus strand). VCF-style: chr6-98874405-A-C. GRCh37 (hg19) VCF-style: chr6-99322281-A-C.
Other names: c.1739T>G (NM_012160.3); c.1739T>G, p.Leu580Arg (NM_012160.5); short protein forms L580R.
Identifiers: ClinVar variation 437804 (VCV000437804.4), dbSNP rs757154231, ClinGen allele CA3933353.

ClinVar aggregate classification (germline): Uncertain significance. Review status: criteria provided, multiple submitters, no conflicts (2 of 4 stars). 3 submissions from 3 submitters: Uncertain significance (3). Last evaluated 2026-04-09.

Conditions:
Mitochondrial DNA depletion syndrome 13. Also called: Mitochondrial DNA depletion syndrome 13 (encephalomyopathic type); FBXL4-Related Encephalomyopathic Mitochondrial DNA Depletion Syndrome. Identifiers: Orphanet 369897, MedGen C3809592, MONDO:0014198, OMIM 615471.

Allele frequency attached by ClinVar (database versions not stated): gnomAD 0.00001; TOPMed 0.00001.
gnomAD v4.1: 49 of 1,610,824 alleles (0.003%); highest among the groups gnomAD compares: Non-Finnish European, 0.0041%; no homozygotes.

Submissions (3):

GeneDx
Classification: Uncertain significance. Last evaluated: 2026-04-09. Review status: criteria provided, single submitter. Criteria: GeneDx Variant Classification Process June 2021. Collection method: clinical testing. Allele origin: germline.
Comment: Not observed at significant frequency in large population cohorts (gnomAD); In silico analysis supports that this missense variant has a deleterious effect on protein structure/function; Has not been previously published as pathogenic or benign to our knowledge

Labcorp Genetics (formerly Invitae), Labcorp
Classification: Uncertain significance. Last evaluated: 2025-12-01. Review status: criteria provided, single submitter. Criteria: Invitae Variant Classification Sherloc (09022015). Collection method: clinical testing. Allele origin: germline.
Comment: This sequence change replaces leucine, which is neutral and non-polar, with arginine, which is basic and polar, at codon 580 of the FBXL4 protein (p.Leu580Arg). This variant is present in population databases (rs757154231, gnomAD 0.004%). This variant has not been reported in the literature in individuals affected with FBXL4-related conditions. ClinVar contains an entry for this variant (Variation ID: 437804). Invitae Evidence Modeling of protein sequence and biophysical properties (such as structural, functional, and spatial information, amino acid conservation, physicochemical variation, residue mobility, and thermodynamic stability) indicates that this missense variant is expected to disrupt FBXL4 protein function with a positive predictive value of 95%. In summary, the available evidence is currently insufficient to determine the role of this variant in disease. Therefore, it has been classified as a Variant of Uncertain Significance.

Wong Mito Lab, Molecular and Human Genetics, Baylor College of Medicine
Classification: Uncertain significance for Mitochondrial DNA depletion syndrome 13. Last evaluated: 2017-08-10. Review status: criteria provided, single submitter. Criteria: ACMG Guidelines, 2015. Collection method: reference population. Allele origin: germline.
Comment: The NM_012160.4:c.1739T>G (NP_036292.2:p.Leu580Arg) [GRCH38: NC_000006.12:g.98874405A>C] variant in FBXL4 gene is interpretated to be a Uncertain Significance - Insufficient Evidence based on ACMG guidelines (PMID: 25741868). This variant meets one or more of the following evidence codes reported in the ACMG-guideline. PM2:This variant is absent in key population databases. PP3:Computational evidence/predictors indicate the variant has deleterious effect on FBXL4 structure, function, or protein-protein interaction. Based on this evidence code ClinGen Pathogenicity Calculator (PMID:28081714) suggested that the variant is Uncertain Significance - Insufficient Evidence.